The following is an entry in ClinVar:

ClinVar aggregate classification (germline): Uncertain significance (1 of 4 stars; one submission).

Conditions:
Polyglucosan body myopathy type 1 (PGBM1). Also called: POLYGLUCOSAN BODY MYOPATHY WITHOUT IMMUNODEFICIENCY; Polyglucosan body myopathy 1 with or without immunodeficiency. Identifiers: Orphanet 329173, Orphanet 397937, MedGen C4014605, MONDO:0014389, OMIM 615895.

Allele frequency attached by ClinVar (database versions not stated): gnomAD exomes 0.00002 and 0.00004; ExAC 0.00003; TOPMed 0.00005; gnomAD 0.00010 and 0.00011; ESP Exome Variant Server 0.00023.
gnomAD v4.1: 76 of 1,614,030 alleles (0.0047%); highest among the groups gnomAD compares: Non-Finnish European, 0.0057%; no homozygotes.

Submission:

Labcorp Genetics (formerly Invitae), Labcorp
Classification: Uncertain significance for Polyglucosan body myopathy type 1. Last evaluated: 2022-08-10. Review status: criteria provided, single submitter. Criteria: Invitae Variant Classification Sherloc (09022015). Collection method: clinical testing. Allele origin: germline.
Comment: This sequence change replaces arginine, which is basic and polar, with cysteine, which is neutral and slightly polar, at codon 364 of the RBCK1 protein (p.Arg364Cys). This variant is present in population databases (rs144018482, gnomAD 0.006%). This variant has not been reported in the literature in individuals affected with RBCK1-related conditions. ClinVar contains an entry for this variant (Variation ID: 541946). Algorithms developed to predict the effect of missense changes on protein structure and function are either unavailable or do not agree on the potential impact of this missense change (SIFT: "Not Available"; PolyPhen-2: "Probably Damaging"; Align-GVGD: "Not Available"). In summary, the available evidence is currently insufficient to determine the role of this variant in disease. Therefore, it has been classified as a Variant of Uncertain Significance.

NM_031229.4(RBCK1):c.1090C>T (p.Arg364Cys)

Gene: RBCK1 (RANBP2-type and C3HC4-type zinc finger containing 1; plus strand). Cytogenetic location: 20p13.
Variant type: single nucleotide variant.
Coding change: c.1090C>T on transcript NM_031229.4 (MANE Select); coding-DNA position 1090, C replaced by T.
Protein change: p.Arg364Cys; replaces arginine 364 with cysteine.
Molecular consequence: missense variant. On other transcripts: non-coding transcript variant (1).
Genome position (GRCh38, 1-based): chr20:427,373, C>T. VCF-style: chr20-427373-C-T. GRCh37 (hg19) VCF-style: chr20-408017-C-T.
Other names: c.580C>T, p.Arg194Cys (NM_001323956.2, NM_001323958.2); c.964C>T, p.Arg322Cys (NM_006462.6); short protein forms R364C, R194C, R322C.
Identifiers: ClinVar variation 541946 (VCV000541946.9), dbSNP rs144018482, ClinGen allele CA9723274.